The following is an entry in ClinVar:

NM_000135.4(FANCA):c.3766-15C>G

Genes: FANCA (FA complementation group A; minus strand), ZNF276 (zinc finger protein 276; plus strand). Cytogenetic location: 16q24.3.
Variant type: single nucleotide variant.
Coding change: c.3766-15C>G on transcript NM_000135.4 (MANE Select); 15 bases into the intron before coding-DNA position 3766, C replaced by G.
Molecular consequence: intron variant. On other transcripts: 3 prime UTR variant (2), non-coding transcript variant (4).
Genome position (GRCh38, 1-based): chr16:89,740,881, G>C on the plus strand (C>G on the coding strand, the complement: FANCA is on the minus strand). VCF-style: chr16-89740881-G-C. GRCh37 (hg19) VCF-style: chr16-89807289-G-C.
Other names: c.*2635G>C (NM_001113525.2, NM_152287.4); c.3766-15C>G (NM_001286167.3).
Identifiers: ClinVar variation 1578295 (VCV001578295.12), dbSNP rs749085160, ClinGen allele CA8250970.

ClinVar aggregate classification (germline): Conflicting classifications of pathogenicity. Review status: criteria provided, conflicting classifications (1 of 4 stars). 4 submissions from 4 submitters: Uncertain significance (2); Likely benign (2). Last evaluated 2026-10-01.

Conditions:
Fanconi anemia (FA). Also called: Fanconi's anemia. Identifiers: Orphanet 84, MedGen C0015625, MeSH D005199, MONDO:0019391.
Fanconi anemia complementation group A (FANCA). Also called: Fanconi anemia, group A; FANCA-Related Fanconi Anemia. Identifiers: Orphanet 84, MedGen C3469521, MONDO:0009215, OMIM 227650.

Allele frequency attached by ClinVar (database versions not stated): ExAC 0.00003.
gnomAD v4.1: 43 of 1,604,374 alleles (0.0027%); highest among the groups gnomAD compares: Non-Finnish European, 0.0033%; no homozygotes.

Submissions (5):

St. Jude Molecular Pathology, St. Jude Children's Research Hospital
Classification: Uncertain significance for Fanconi anemia complementation group A. Last evaluated: 2026-10-01. Review status: criteria provided, single submitter. Criteria: St. Jude Assertion Criteria 2020. Collection method: clinical testing. Allele origin: germline.
Comment: The FANCA c.3766-15C>G intronic change results in a C to G substitution at the -15 position of intron 37 of the FANCA gene. Algorith ms that predict the impact of sequence changes on splicing indicate that this change may impact splicing but to our knowledge these predictions have not been confirmed by RNA studies. This variant has a maximum subpopulation frequency of 0.006% in gnomAD v2.1.1. To our knowledge, this variant has not been reported in individuals with Fanconi anemia. In summary, the evidence currently available is insufficient to determine the clinical significance of this variant. It has therefore been classified as of uncertain significance.

Labcorp Genetics (formerly Invitae), Labcorp
Classification: Likely benign for Fanconi anemia. Last evaluated: 2024-09-01. Review status: criteria provided, single submitter. Criteria: Invitae Variant Classification Sherloc (09022015). Collection method: clinical testing. Allele origin: germline.

Fulgent Genetics
Classification: Likely benign for Fanconi anemia complementation group A. Last evaluated: 2024-06-18. Review status: criteria provided, single submitter. Criteria: ACMG Guidelines, 2015. Collection method: clinical testing. Allele origin: germline.

Blueprint Genetics
Classification: Uncertain significance. Last evaluated: 2024-04-22. Review status: criteria provided, single submitter. Criteria: ACMG Guidelines, 2015. Collection method: clinical testing. Allele origin: germline.

Dr. Peter K. Rogan Lab, Western University
No classification provided (evidence only). Condition: Ovarian serous cystadenocarcinoma. Review status: no classification provided. Collection method: in vitro. Allele origin: not applicable. Functional consequence: retained intron. Not counted in ClinVar's aggregate classification.